The following is an entry in ClinVar:

NM_182961.4(SYNE1):c.787G>A (p.Val263Met)

Gene: SYNE1 (spectrin repeat containing nuclear envelope protein 1; minus strand). Cytogenetic location: 6q25.2.
Variant type: single nucleotide variant.
Coding change: c.787G>A on transcript NM_182961.4 (MANE Select); coding-DNA position 787, G replaced by A.
Protein change: p.Val263Met; replaces valine 263 with methionine.
Molecular consequence: missense variant.
Genome position (GRCh38, 1-based): chr6:152,502,734, C>T on the plus strand (G>A on the coding strand, the complement: SYNE1 is on the minus strand). VCF-style: chr6-152502734-C-T. GRCh37 (hg19) VCF-style: chr6-152823869-C-T.
Other names: c.808G>A, p.Val270Met (NM_033071.5); short protein forms V263M, V270M.
Identifiers: ClinVar variation 4783839 (VCV004783839.1).
Genomic context (GRCh38, chr6:152,502,734, plus strand): 5'-GATAATGTTTCAGAAACTGGGCTACATAGGTCATAATAGATTTCTCATCTGGTTTATCCA[C>T]ATCAACGTCTGAAAAAACAAAAAAGAAATGTGAATAAACTAATTAGCATTCATTGGATTT-3'
Protein context (NP_892006.3, residues 253-273): PRLLDPEDVD[Val263Met]DKPDEKSIMT

ClinVar aggregate classification (germline): Uncertain significance (1 of 4 stars; one submission).

Conditions:
Autosomal recessive ataxia, Beauce type. Also called: SYNE1-Related Autosomal Recessive Cerebellar Ataxia; Spinocerebellar ataxia, autosomal recessive 8; ATAXIA, RECESSIVE, OF BEAUCE; SYNE1 Deficiency. Identifiers: Orphanet 88644, MedGen C1853116, MONDO:0012549, OMIM 610743.
Emery-Dreifuss muscular dystrophy 4, autosomal dominant (EDMD4). Also called: EMERY-DREIFUSS MUSCULAR DYSTROPHY 4 WITH VARIABLE FEATURES. Identifiers: Orphanet 261, MedGen C2751807, MONDO:0013071, OMIM 612998.

Submission:

Labcorp Genetics (formerly Invitae), Labcorp
Classification: Uncertain significance for Emery-Dreifuss muscular dystrophy 4, autosomal dominant; Autosomal recessive ataxia, Beauce type. Last evaluated: 2025-10-08. Review status: criteria provided, single submitter. Criteria: Invitae Variant Classification Sherloc (09022015). Collection method: clinical testing. Allele origin: germline.
Comment: This sequence change replaces valine, which is neutral and non-polar, with methionine, which is neutral and non-polar, at codon 270 of the SYNE1 protein (p.Val270Met). This variant is not present in population databases (gnomAD no frequency). This variant has not been reported in the literature in individuals affected with SYNE1-related conditions. An algorithm developed to predict the effect of missense changes on protein structure and function (PolyPhen-2) suggests that this variant is likely to be disruptive. In summary, the available evidence is currently insufficient to determine the role of this variant in disease. Therefore, it has been classified as a Variant of Uncertain Significance.